The following is an entry in ClinVar:

NM_001199799.2(ILDR1):c.726G>A (p.Ala242=)

Gene: ILDR1 (immunoglobulin like domain containing receptor 1; minus strand). Cytogenetic location: 3q13.33.
Variant type: single nucleotide variant.
Coding change: c.726G>A on transcript NM_001199799.2 (MANE Select); coding-DNA position 726, G replaced by A.
Protein change: p.Ala242=; no amino-acid change (alanine 242 retained).
Molecular consequence: synonymous variant. On other transcripts: intron variant (1).
Genome position (GRCh38, 1-based): chr3:121,994,234, C>T on the plus strand (G>A on the coding strand, the complement: ILDR1 is on the minus strand). VCF-style: chr3-121994234-C-T. GRCh37 (hg19) VCF-style: chr3-121713081-C-T.
Other names: c.459G>A, p.Ala153= (NM_001199800.2); c.647-264G>A (NM_175924.4).
Identifiers: ClinVar variation 44143 (VCV000044143.17), dbSNP rs114464909, ClinGen allele CA133663.

ClinVar aggregate classification (germline): Benign. Review status: criteria provided, multiple submitters, no conflicts (2 of 4 stars). 5 submissions from 5 submitters: Benign (5). Last evaluated 2026-02-01.

Allele frequency attached by ClinVar (database versions not stated): gnomAD exomes 0.00086 and 0.00153; ExAC 0.00106; gnomAD 0.00777 and 0.00814; TOPMed 0.00860; 1000 Genomes Project 0.01058; 1000 Genomes Project 30x 0.01171.
gnomAD v4.1: 2,441 of 1,536,090 alleles (0.16%); highest among the groups gnomAD compares: African/African-American, 2.7%; 36 homozygotes.

Submissions (5):

Labcorp Genetics (formerly Invitae), Labcorp
Classification: Benign. Last evaluated: 2026-02-01. Review status: criteria provided, single submitter. Criteria: Invitae Variant Classification Sherloc (09022015). Collection method: clinical testing. Allele origin: germline.

Athena Diagnostics
Classification: Benign. Last evaluated: 2019-07-16. Review status: criteria provided, single submitter. Criteria: Athena Diagnostics Criteria. Collection method: clinical testing. Allele origin: germline.

GeneDx
Classification: Benign. Last evaluated: 2019-01-29. Review status: criteria provided, single submitter. Criteria: GeneDx Variant Classification Process June 2021. Collection method: clinical testing. Allele origin: germline. Affected: yes.

Laboratory for Molecular Medicine, Mass General Brigham Personalized Medicine
Classification: Benign. Last evaluated: 2012-05-07. Review status: criteria provided, single submitter. Criteria: LMM Criteria. Collection method: clinical testing. Allele origin: germline. Observed: 12 variant alleles.
Comment: "Ala242Ala in Exon 06 of ILDR1: This variant is not expected to have clinical si gnificance because it does not alter an amino acid residue, is not located withi n the splice consensus sequence, and has been identified in 5.1% (6/118) of chro mosomes from a population in the dbSNP database (jects/SNP; rs114464909)."

Breakthrough Genomics
Classification: Benign. Review status: criteria provided, single submitter. Criteria: ACMG Guidelines, 2015. Collection method: not provided. Allele origin: germline. Inheritance: Autosomal recessive inheritance. Affected: yes.